The following is an entry in ClinVar:

ClinVar aggregate classification (germline): Uncertain significance. Review status: criteria provided, single submitter (1 of 4 stars). 2 submissions from 2 submitters: Uncertain significance (1). 1 of the submissions does not count toward it. Last evaluated 2016-04-12.

Conditions:
Usher syndrome type 1 (USH1). Also called: RETINITIS PIGMENTOSA AND CONGENITAL DEAFNESS. Identifiers: Orphanet 231169, Orphanet 886, MedGen C1568247, MONDO:0010168, OMIM 276900.

Allele frequency attached by ClinVar (database versions not stated): gnomAD exomes below 0.00001 and 0.00001.
gnomAD v4.1: 2 of 1,613,976 alleles (0.00012%); highest among the groups gnomAD compares: Admixed American, 0.0033%; no homozygotes.

Submissions (2):

Laboratory for Molecular Medicine, Mass General Brigham Personalized Medicine
Classification: Uncertain significance. Last evaluated: 2016-04-12. Review status: criteria provided, single submitter. Criteria: LMM Criteria. Collection method: clinical testing. Allele origin: germline. Observed: 1 variant allele.
Comment: The p.Trp3088Cys variant in CDH23 has not been previously reported in individual s with hearing loss or Usher syndrome or in large population studies. Computatio nal prediction tools and conservation analysis do not provide strong support for or against an impact to the protein. In summary, the clinical significance of t he p.Trp3088Cys variant is uncertain.

Natera, Inc.
Classification: Uncertain significance for Usher syndrome type 1. Last evaluated: 2019-10-28. Review status: no assertion criteria provided. Collection method: clinical testing. Allele origin: germline. Not counted in ClinVar's aggregate classification.

NM_022124.6(CDH23):c.9264G>C (p.Trp3088Cys)

Gene: CDH23 (cadherin related 23; plus strand). Cytogenetic location: 10q22.1.
Variant type: single nucleotide variant.
Coding change: c.9264G>C on transcript NM_022124.6 (MANE Select); coding-DNA position 9264, G replaced by C.
Protein change: p.Trp3088Cys; replaces tryptophan 3088 with cysteine.
Molecular consequence: missense variant.
Genome position (GRCh38, 1-based): chr10:71,811,576, G>C. VCF-style: chr10-71811576-G-C. GRCh37 (hg19) VCF-style: chr10-73571333-G-C.
Other names: c.2544G>C, p.Trp848Cys (NM_001171933.1, NM_001171934.1); short protein forms W3088C, W848C.
Identifiers: ClinVar variation 228506 (VCV000228506.5), dbSNP rs876657759, ClinGen allele CA10576819.